The following is an entry in ClinVar:

NM_001256789.3(CACNA1F):c.3993C>T (p.Ala1331=)

Gene: CACNA1F (calcium voltage-gated channel subunit alpha1 F; minus strand). Cytogenetic location: Xp11.23.
Variant type: single nucleotide variant.
Coding change: c.3993C>T on transcript NM_001256789.3 (MANE Select); coding-DNA position 3993, C replaced by T.
Protein change: p.Ala1331=; no amino-acid change (alanine 1331 retained).
Molecular consequence: synonymous variant.
Genome position (GRCh38, 1-based): chrX:49,212,258, G>A on the plus strand (C>T on the coding strand, the complement: CACNA1F is on the minus strand). VCF-style: chrX-49212258-G-A. GRCh37 (hg19) VCF-style: chrX-49068718-G-A.
Other names: c.3831C>T, p.Ala1277= (NM_001256790.3); c.4026C>T, p.Ala1342= (NM_005183.4); c.4026C>T (NM_005183.3).
Identifiers: ClinVar variation 1079924 (VCV001079924.35), dbSNP rs140353265, ClinGen allele CA10410295.

ClinVar aggregate classification (germline): Likely benign. Review status: criteria provided, multiple submitters, no conflicts (2 of 4 stars). 5 submissions from 5 submitters: Likely benign (4). 1 of the submissions does not count toward it. Last evaluated 2025-12-21.

Conditions:
CACNA1F-related disorder. Also called: CACNA1F-related condition.

Allele frequency attached by ClinVar (database versions not stated): gnomAD exomes 0.00002 and 0.00004; ExAC 0.00004; ESP Exome Variant Server 0.00009; gnomAD 0.00012 and 0.00013; TOPMed 0.00012.
gnomAD v4.1: 46 of 1,206,067 alleles (0.0038%); highest among the groups gnomAD compares: African/African-American, 0.058%; no homozygotes.

Submissions (5):

Labcorp Genetics (formerly Invitae), Labcorp
Classification: Likely benign. Last evaluated: 2025-12-21. Review status: criteria provided, single submitter. Criteria: Invitae Variant Classification Sherloc (09022015). Collection method: clinical testing. Allele origin: germline.

Blueprint Genetics
Classification: Likely benign. Last evaluated: 2024-08-06. Review status: criteria provided, single submitter. Criteria: ACMG Guidelines, 2015. Collection method: clinical testing. Allele origin: germline.

CeGaT Center for Human Genetics Tuebingen
Classification: Likely benign. Last evaluated: 2022-04-01. Review status: criteria provided, single submitter. Criteria: CeGaT Center For Human Genetics Tuebingen Variant Classification Criteria Version 2. Collection method: clinical testing. Allele origin: germline. Affected: yes. Observed: 1 variant allele.
Comment: CACNA1F: BP4, BP7

Breakthrough Genomics
Classification: Likely benign. Review status: criteria provided, single submitter. Criteria: ACMG Guidelines, 2015. Collection method: not provided. Allele origin: germline. Inheritance: X-linked inheritance. Affected: yes.

PreventionGenetics, part of Exact Sciences
Classification: Likely benign for CACNA1F-related condition. Last evaluated: 2020-02-14. Review status: no assertion criteria provided. Collection method: clinical testing. Allele origin: germline. Not counted in ClinVar's aggregate classification.
Comment: This variant is classified as likely benign based on ACMG/AMP sequence variant interpretation guidelines (Richards et al. 2015 PMID: 25741868, with internal and published modifications).